The following is an entry in ClinVar:

NM_001127511.3(APC):c.-82G>T

Gene: APC (APC regulator of Wnt signaling pathway; plus strand). Cytogenetic location: 5q22.2.
Variant type: single nucleotide variant.
Coding change: c.-82G>T on transcript NM_001127511.3; 82 bases upstream of the start codon, G replaced by T.
Molecular consequence: 5 prime UTR variant. On other transcripts: non-coding transcript variant (2).
Genome position (GRCh38, 1-based): chr5:112,707,636, G>T. VCF-style: chr5-112707636-G-T. GRCh37 (hg19) VCF-style: chr5-112043333-G-T.
Other names: c.-265G>T (NM_001354895.2, NM_001407447.1, NM_001407452.1 and 3 more transcripts); c.-82G>T (NM_001354897.2, NM_001354902.2, NM_001407446.1); c.-32G>T (NM_001407448.1, NM_001407450.1, NM_001407457.1 and 1 more transcripts); c.-56G>T (NM_001407453.1); c.-1300G>T (NM_001407470.1, NM_001407472.1).
Identifiers: ClinVar variation 1011139 (VCV001011139.9), dbSNP rs1750591561, ClinGen allele CA1573442573.

ClinVar aggregate classification (germline): Uncertain significance (1 of 4 stars; one submission).

Conditions:
Familial adenomatous polyposis 1 (FAP1). Also called: FAMILIAL ADENOMATOUS POLYPOSIS 1, ATTENUATED; POLYPOSIS, ADENOMATOUS INTESTINAL. Identifiers: MedGen C2713442, MONDO:0021056, OMIM 175100. Disease mechanism: loss of function.

Submission:

Labcorp Genetics (formerly Invitae), Labcorp
Classification: Uncertain significance for Familial adenomatous polyposis 1. Last evaluated: 2020-02-21. Review status: criteria provided, single submitter. Criteria: Invitae Variant Classification Sherloc (09022015). Collection method: clinical testing. Allele origin: germline.
Comment: This variant occurs in a non-coding region of the APC gene. It does not change the encoded amino acid sequence of the APC protein. The frequency data for this variant in the population databases is considered unreliable, as metrics indicate insufficient coverage at this position in the ExAC database. This variant has not been reported in the literature in individuals with APC-related conditions. Experimental studies and prediction algorithms are not available for this variant, and the functional significance of this non-coding change is currently unknown. In summary, the available evidence is currently insufficient to determine the role of this variant in disease. Therefore, it has been classified as a Variant of Uncertain Significance.